The following is an entry in ClinVar:

ClinVar aggregate classification (germline): Likely pathogenic (1 of 4 stars; one submission).

Conditions:
Usher syndrome type 1 (USH1). Also called: RETINITIS PIGMENTOSA AND CONGENITAL DEAFNESS. Identifiers: Orphanet 231169, Orphanet 886, MedGen C1568247, MONDO:0010168, OMIM 276900.

Submission:

Myriad Genetics, Inc.
Classification: Likely pathogenic for Usher syndrome type 1. Last evaluated: 2026-03-26. Review status: criteria provided, single submitter. Criteria: Myriad Autosomal Dominant, Autosomal Recessive and X-Linked Classification Criteria (2023). Collection method: clinical testing. Allele origin: unknown.
Comment: NM_000260.3(MYO7A):c.5648G>T(R1883L) is a missense variant classified as likely pathogenic in the context of MYO7A-related disorders. R1883L has been observed in a case with relevant disease (PMID: 36597107). Relevant functional assessments of this variant are not available in the literature. Internal structural analysis of the variant is supportive of pathogenicity. R1883L has not been observed in referenced population frequency databases. In summary, NM_000260.3(MYO7A):c.5648G>T(R1883L) is a missense variant that has internal structural support for pathogenicity and has been observed more frequently in cases with the relevant disease than in healthy populations. Please note: this variant was assessed in the context of healthy population screening.

Literature cited by the submitters: PubMed 36597107.

NM_000260.4(MYO7A):c.5648G>T (p.Arg1883Leu)

Gene: MYO7A (myosin VIIA; plus strand). Cytogenetic location: 11q13.5.
Variant type: single nucleotide variant.
Coding change: c.5648G>T on transcript NM_000260.4 (MANE Select); coding-DNA position 5648, G replaced by T.
Protein change: p.Arg1883Leu; replaces arginine 1883 with leucine.
Molecular consequence: missense variant.
Genome position (GRCh38, 1-based): chr11:77,206,108, G>T. VCF-style: chr11-77206108-G-T. GRCh37 (hg19) VCF-style: chr11-76917153-G-T.
Other names: c.5534G>T, p.Arg1845Leu (NM_001127180.2); c.5501G>T, p.Arg1834Leu (NM_001369365.1); short protein forms R1845L, R1834L, R1883L.
Identifiers: ClinVar variation 5004546 (VCV005004546.1).